The following is an entry in ClinVar:

ClinVar aggregate classification (germline): Benign/Likely benign. Review status: criteria provided, multiple submitters, no conflicts (2 of 4 stars). 8 submissions from 8 submitters: Benign (1); Likely benign (5). 2 of the submissions do not count toward it. Last evaluated 2026-08-01.

Conditions:
GRM6-related disorder. Also called: GRM6-related condition.

Allele frequency attached by ClinVar (database versions not stated): gnomAD 0.00146 and 0.00151; ESP Exome Variant Server 0.00170; 1000 Genomes Project 30x 0.00172; gnomAD exomes 0.00172 and 0.00204; TOPMed 0.00180; 1000 Genomes Project 0.00200; ExAC 0.00217.
gnomAD v4.1: 2,849 of 1,608,430 alleles (0.18%); highest among the groups gnomAD compares: Middle Eastern, 0.83%; 7 homozygotes.

Submissions (8):

CeGaT Center for Human Genetics Tuebingen
Classification: Likely benign. Last evaluated: 2026-08-01. Review status: criteria provided, single submitter. Criteria: CeGaT Center For Human Genetics Tuebingen Variant Classification Criteria Version 2. Collection method: clinical testing. Allele origin: germline. Affected: yes. Observed: 1 variant allele.
Comment: GRM6: BS2

Labcorp Genetics (formerly Invitae), Labcorp
Classification: Likely benign. Last evaluated: 2026-01-20. Review status: criteria provided, single submitter. Criteria: Invitae Variant Classification Sherloc (09022015). Collection method: clinical testing. Allele origin: germline.

Genomic Medicine Center of Excellence, King Faisal Specialist Hospital and Research Centre
Classification: Likely benign. Last evaluated: 2025-08-18. Review status: criteria provided, single submitter. Criteria: ACMG Guidelines, 2015. Collection method: clinical testing. Allele origin: germline.

Blueprint Genetics
Classification: Likely benign. Last evaluated: 2024-11-26. Review status: criteria provided, single submitter. Criteria: ACMG Guidelines, 2015. Collection method: clinical testing. Allele origin: germline.

Eurofins Ntd Llc (ga)
Classification: Benign. Last evaluated: 2015-02-20. Review status: criteria provided, single submitter. Criteria: EGL Classification Definitions 2015. Collection method: clinical testing. Allele origin: germline. Observed: 1 variant allele, 1 heterozygote.

Breakthrough Genomics
Classification: Likely benign. Review status: criteria provided, single submitter. Criteria: ACMG Guidelines, 2015. Collection method: not provided. Allele origin: germline. Inheritance: Autosomal recessive inheritance. Affected: yes.

PreventionGenetics, part of Exact Sciences
Classification: Benign for GRM6-related condition. Last evaluated: 2020-12-16. Review status: no assertion criteria provided. Collection method: clinical testing. Allele origin: germline. Not counted in ClinVar's aggregate classification.
Comment: This variant is classified as benign based on ACMG/AMP sequence variant interpretation guidelines (Richards et al. 2015 PMID: 25741868, with internal and published modifications).

Retina International
No classification provided. Review status: no classification provided. Collection method: not provided. Allele origin: not provided. Not counted in ClinVar's aggregate classification.

NM_000843.4(GRM6):c.1732C>T (p.Arg578Cys)

Genes: GRM6 (glutamate metabotropic receptor 6; minus strand), ZNF454 (zinc finger protein 454; plus strand). Cytogenetic location: 5q35.3.
Variant type: single nucleotide variant.
Coding change: c.1732C>T on transcript NM_000843.4 (MANE Select); coding-DNA position 1732, C replaced by T.
Protein change: p.Arg578Cys; replaces arginine 578 with cysteine.
Molecular consequence: missense variant.
Genome position (GRCh38, 1-based): chr5:178,986,522, G>A on the plus strand (C>T on the coding strand, the complement: GRM6 is on the minus strand). VCF-style: chr5-178986522-G-A. GRCh37 (hg19) VCF-style: chr5-178413523-G-A.
Other names: short protein forms R578C.
Identifiers: ClinVar variation 99632 (VCV000099632.19), dbSNP rs62638210, ClinGen allele CA203592.